The following is an entry in ClinVar:

NM_001042492.3(NF1):c.1074del (p.Phe358fs)

Gene: NF1 (neurofibromin 1; plus strand). Cytogenetic location: 17q11.2.
Variant type: Deletion.
Coding change: c.1074del on transcript NM_001042492.3 (MANE Select); coding-DNA position 1074, one base deleted (T; older notation c.1074delT).
Protein change: p.Phe358fs; shifts the reading frame from phenylalanine 358.
Molecular consequence: frameshift variant.
Genome position (GRCh38, 1-based): chr17:31,201,048, T deleted; the last of 5 consecutive T bases (chr17:31,201,044-31,201,048); deleting any one gives the same sequence. VCF-style (leftmost placement, unchanged base first): chr17-31201043-CT-C. GRCh37 (hg19) VCF-style: chr17-29528061-CT-C.
Other names: c.1074delT (NM_000267.3); c.1074delT, p.Phe358Leufs (NM_000267.4); c.1074del, p.Phe358fs (NM_001128147.3); short protein forms F358fs.
Identifiers: ClinVar variation 3067989 (VCV003067989.2), dbSNP rs2544796715, ClinGen allele CA2825002482.

ClinVar aggregate classification (germline): Conflicting classifications of pathogenicity. Review status: criteria provided, conflicting classifications (1 of 4 stars). 2 submissions from 2 submitters: Pathogenic (1); Uncertain significance (1). Last evaluated 2024-04-04.

Conditions:
Neurofibromatosis, type 1 (NF1). Also called: NEUROFIBROMATOSIS, TYPE I, SOMATIC; VON RECKLINGHAUSEN DISEASE; Neurofibromatosis, type I; Peripheral type neurofibromatosis. Identifiers: Orphanet 636, MedGen C0027831, MONDO:0018975, OMIM 162200. Disease mechanism: loss of function.
Cardiovascular phenotype. Identifiers: MedGen CN230736.
Hereditary cancer-predisposing syndrome. Also called: Neoplastic Syndromes, Hereditary; Tumor predisposition; Hereditary neoplastic syndrome; Hereditary Cancer Syndrome. Identifiers: Orphanet 140162, MedGen C0027672, MeSH D009386, MONDO:0015356.

Submissions (2):

Genomic Medicine Center of Excellence, King Faisal Specialist Hospital and Research Centre
Classification: Uncertain significance for Neurofibromatosis, type 1. Last evaluated: 2024-04-04. Review status: criteria provided, single submitter. Criteria: ACMG Guidelines, 2015. Collection method: clinical testing. Allele origin: germline.

Ambry Genetics
Classification: Pathogenic for Cardiovascular phenotype; Hereditary cancer-predisposing syndrome. Last evaluated: 2024-01-10. Review status: criteria provided, single submitter. Criteria: Ambry Variant Classification Scheme 2023. Collection method: clinical testing. Allele origin: germline.
Comment: The c.1074delT pathogenic mutation, located in coding exon 10 of the NF1 gene, results from a deletion of one nucleotide at nucleotide position 1074, causing a translational frameshift with a predicted alternate stop codon (p.F358Lfs*18). This alteration has been observed in at least one individual with a personal and/or family history that is consistent with NF1-related disease (Ambry internal data). This alteration is expected to result in loss of function by premature protein truncation or nonsense-mediated mRNA decay. As such, this alteration is interpreted as a disease-causing mutation.